The following is an entry in ClinVar:

ClinVar aggregate classification (germline): Benign/Likely benign. Review status: criteria provided, multiple submitters, no conflicts (2 of 4 stars). 6 submissions from 6 submitters: Benign (1); Likely benign (2). 3 of the submissions do not count toward it. Last evaluated 2025-12-13.

Conditions:
SIX5-related disorder. Also called: SIX5-related condition.

Submissions (6):

Labcorp Genetics (formerly Invitae), Labcorp
Classification: Benign. Last evaluated: 2025-12-13. Review status: criteria provided, single submitter. Criteria: Invitae Variant Classification Sherloc (09022015). Collection method: clinical testing. Allele origin: germline.

Blueprint Genetics
Classification: Likely benign. Last evaluated: 2024-10-23. Review status: criteria provided, single submitter. Criteria: ACMG Guidelines, 2015. Collection method: clinical testing. Allele origin: germline.

CeGaT Center for Human Genetics Tuebingen
Classification: Likely benign. Last evaluated: 2023-07-01. Review status: criteria provided, single submitter. Criteria: CeGaT Center For Human Genetics Tuebingen Variant Classification Criteria Version 2. Collection method: clinical testing. Allele origin: germline. Affected: yes. Observed: 2 variant alleles.
Comment: SIX5: BS2

PreventionGenetics, part of Exact Sciences
Classification: Likely benign for SIX5-related condition. Last evaluated: 2021-01-22. Review status: no assertion criteria provided. Collection method: clinical testing. Allele origin: germline. Not counted in ClinVar's aggregate classification.
Comment: This variant is classified as likely benign based on ACMG/AMP sequence variant interpretation guidelines (Richards et al. 2015 PMID: 25741868, with internal and published modifications).

Clinical Genetics DNA and cytogenetics Diagnostics Lab, Erasmus MC, Erasmus Medical Center
Classification: Benign. Review status: no assertion criteria provided. Collection method: clinical testing. Allele origin: germline. Affected: yes. Study: VKGL Data-share Consensus. Not counted in ClinVar's aggregate classification.

Genome Diagnostics Laboratory, University Medical Center Utrecht
Classification: Benign. Review status: no assertion criteria provided. Collection method: clinical testing. Allele origin: germline. Affected: yes. Study: VKGL Data-share Consensus. Not counted in ClinVar's aggregate classification.

NM_175875.5(SIX5):c.150CGGGGC[3] (p.51GA[4])

Genes: DM1-AS (DM1 locus antisense RNA; plus strand), SIX5 (SIX homeobox 5; minus strand), LOC107075317 (origin of replication in DMPK trinucleotide repeat region; plus strand), LOC129929037 (ATAC-STARR-seq lymphoblastoid silent region 10794; plus strand). Cytogenetic location: 19q13.32.
Variant type: Microsatellite.
Coding change: c.150CGGGGC[3] on transcript NM_175875.5 (MANE Select); three copies in a row of the 6-base unit CGGGGC starting at c.150; the reference has two copies in a row; one copy, 6 bases duplicated.
Protein change: p.51GA[4].
Molecular consequence: inframe insertion.
Genome position (GRCh38, 1-based): chr19:45,768,684-45,768,689, GCCCCG duplicated on the plus strand (CGGGGC on the coding strand, the reverse complement: SIX5 is on the minus strand); duplicating any 6 consecutive bases within chr19:45,768,684-45,768,698 gives the same sequence; the position shown is the placement nearest the transcript's 3' end. VCF-style (leftmost placement, unchanged base first): chr19-45768683-C-CGCCCCG. GRCh37 (hg19) VCF-style: chr19-46271941-C-CGCCCCG.
Other names: c.156_161dup6 (NM_175875.4).
Identifiers: ClinVar variation 708640 (VCV000708640.37), dbSNP rs563227896, ClinGen allele CA309001765.